The following is an entry in ClinVar:

ClinVar aggregate classification (germline): Uncertain significance. Review status: criteria provided, multiple submitters, no conflicts (2 of 4 stars). 2 submissions from 2 submitters: Uncertain significance (2). Last evaluated 2025-05-06.

Conditions:
Cardiovascular phenotype. Identifiers: MedGen CN230736.

Submissions (2):

GeneDx
Classification: Uncertain significance. Last evaluated: 2025-05-06. Review status: criteria provided, single submitter. Criteria: GeneDx Variant Classification Process June 2021. Collection method: clinical testing. Allele origin: germline. Affected: yes.
Comment: Not observed at significant frequency in large population cohorts (gnomAD); In silico analysis supports that this missense variant has a deleterious effect on protein structure/function; Has not been previously published as pathogenic or benign to our knowledge

Ambry Genetics
Classification: Uncertain significance for Cardiovascular phenotype. Last evaluated: 2022-05-23. Review status: criteria provided, single submitter. Criteria: Ambry Variant Classification Scheme 2023. Collection method: clinical testing. Allele origin: germline.
Comment: The p.A1933G variant (also known as c.5798C>G), located in coding exon 46 of the CACNA1C gene, results from a C to G substitution at nucleotide position 5798. The alanine at codon 1933 is replaced by glycine, an amino acid with similar properties. This amino acid position is well conserved in available vertebrate species. In addition, this alteration is predicted to be tolerated by in silico analysis. Since supporting evidence is limited at this time, the clinical significance of this alteration remains unclear.

NM_000719.7(CACNA1C):c.5798C>G (p.Ala1933Gly)

Genes: CACNA1C (calcium voltage-gated channel subunit alpha1 C; plus strand), CACNA1C-AS1 (CACNA1C antisense RNA 1; minus strand). Cytogenetic location: 12p13.33.
Variant type: single nucleotide variant.
Coding change: c.5798C>G on transcript NM_000719.7 (MANE Select); coding-DNA position 5798, C replaced by G.
Protein change: p.Ala1933Gly; replaces alanine 1933 with glycine.
Molecular consequence: missense variant.
Genome position (GRCh38, 1-based): chr12:2,688,460, C>G. VCF-style: chr12-2688460-C-G. GRCh37 (hg19) VCF-style: chr12-2797626-C-G.
Other names: c.5942C>G, p.Ala1981Gly (NM_001129827.2); c.5921C>G, p.Ala1974Gly (NM_001129829.2); c.5903C>G, p.Ala1968Gly (NM_001129830.3, NM_001167624.3); c.5882C>G, p.Ala1961Gly (NM_001129831.2); c.5858C>G, p.Ala1953Gly (NM_001129832.2); c.5855C>G, p.Ala1952Gly (NM_001129833.2, NM_001129834.2, NM_001129835.2); c.5849C>G, p.Ala1950Gly (NM_001129836.2); c.5822C>G, p.Ala1941Gly (NM_001129837.2, NM_001129838.2); and 6 more; short protein forms A1974G, A1993G, A2016G, A1941G, A1953G, A1968G, A1981G, A1930G.
Identifiers: ClinVar variation 1749688 (VCV001749688.3), dbSNP rs2534818833, ClinGen allele CA383383798.
Genomic context (GRCh38, chr12:2,688,460, plus strand): 5'-TTGGGGTCGGCCACTCCTATTAACTCACACTCCTTGTGTGTCCGCAGGCATTGGCAGTGG[C>G]AGGCCTGAGCCCCCTCCTCCAGAGAAGCCATTCCCCTGCCTCATTCCCTAGGCCTTTTGC-3'
Protein context (NP_000710.5, residues 1923-1943): HLVHHQALAV[Ala1933Gly]GLSPLLQRSH